The following is an entry in ClinVar:

ClinVar aggregate classification (germline): Uncertain significance (1 of 4 stars; one submission).

Conditions:
Myofibrillar myopathy 4. Also called: Zaspopathy (type). Identifiers: Orphanet 98912, MedGen C4721886, MONDO:0012277, OMIM 609452.

gnomAD v4.1: 1 of 1,614,060 alleles (0.000062%); highest among the groups gnomAD compares: Non-Finnish European, 0.000085%; no homozygotes.

Submission:

Labcorp Genetics (formerly Invitae), Labcorp
Classification: Uncertain significance for Myofibrillar myopathy 4. Last evaluated: 2025-08-25. Review status: criteria provided, single submitter. Criteria: Invitae Variant Classification Sherloc (09022015). Collection method: clinical testing. Allele origin: germline.
Comment: The LDB3 gene has multiple clinically relevant transcripts. This variant occurs in alternate transcript NM_007078.3, and corresponds to NM_001080116.1:c.*26854G>A in the primary transcript. This sequence change creates a premature translational stop signal (p.Trp690*) in the LDB3 gene. While this is not anticipated to result in nonsense mediated decay, it is expected to disrupt the last 38 amino acid(s) of the LDB3 protein. This variant is not present in population databases (gnomAD no frequency). This variant has not been reported in the literature in individuals affected with LDB3-related conditions. In summary, the available evidence is currently insufficient to determine the role of this variant in disease. Therefore, it has been classified as a Variant of Uncertain Significance.

NM_007078.3(LDB3):c.2070G>A (p.Trp690Ter)

Gene: LDB3 (LIM domain binding 3; plus strand). Cytogenetic location: 10q23.2.
Variant type: single nucleotide variant.
Coding change: c.2070G>A on transcript NM_007078.3 (MANE Select); coding-DNA position 2070, G replaced by A.
Protein change: p.Trp690Ter; replaces tryptophan 690 with a stop codon.
Molecular consequence: nonsense.
Genome position (GRCh38, 1-based): chr10:86,726,228, G>A. VCF-style: chr10-86726228-G-A. GRCh37 (hg19) VCF-style: chr10-88485985-G-A.
Other names: c.1740G>A, p.Trp580Ter (NM_001080114.2); c.2085G>A, p.Trp695Ter (NM_001171610.2); c.1881G>A, p.Trp627Ter (NM_001368064.1, NM_001368065.1); c.1929G>A, p.Trp643Ter (NM_001368066.1); short protein forms W580*, W627*, W643*, W690*, W695*.
Identifiers: ClinVar variation 4768745 (VCV004768745.1).